The following is an entry in ClinVar:

NM_004826.4(ECEL1):c.1210C>T (p.Arg404Cys)

Gene: ECEL1 (endothelin converting enzyme like 1; minus strand). Cytogenetic location: 2q37.1.
Variant type: single nucleotide variant.
Coding change: c.1210C>T on transcript NM_004826.4 (MANE Select); coding-DNA position 1210, C replaced by T.
Protein change: p.Arg404Cys; replaces arginine 404 with cysteine.
Molecular consequence: missense variant.
Genome position (GRCh38, 1-based): chr2:232,484,198, G>A on the plus strand (C>T on the coding strand, the complement: ECEL1 is on the minus strand). VCF-style: chr2-232484198-G-A. GRCh37 (hg19) VCF-style: chr2-233348908-G-A.
Other names: c.1210C>T, p.Arg404Cys (NM_001290787.2); short protein forms R404C.
Identifiers: ClinVar variation 191152 (VCV000191152.24), dbSNP rs532757890, ClinGen allele CA236127.

ClinVar aggregate classification (germline): Conflicting classifications of pathogenicity. Review status: criteria provided, conflicting classifications (1 of 4 stars). 9 submissions from 8 submitters: Pathogenic (2); Likely pathogenic (2); Uncertain significance (2). 3 of the submissions do not count toward it. Last evaluated 2025-09-01.

Conditions:
ECEL1-related disorders.
Distal arthrogryposis type 5D (DA5D). Identifiers: Orphanet 329457, MedGen C3554415, MONDO:0014028, OMIM 615065.

Allele frequency attached by ClinVar (database versions not stated): gnomAD 0.00001; gnomAD exomes 0.00001; TOPMed 0.00001; ExAC 0.00002; 1000 Genomes Project 30x 0.00016; 1000 Genomes Project 0.00020.

Submissions (9):

CeGaT Center for Human Genetics Tuebingen
Classification: Likely pathogenic. Last evaluated: 2025-09-01. Review status: criteria provided, single submitter. Criteria: CeGaT Center For Human Genetics Tuebingen Variant Classification Criteria Version 2. Collection method: clinical testing. Allele origin: germline. Affected: yes. Observed: 2 variant alleles.
Comment: ECEL1: PM1, PM2, PP1:Moderate, PM3:Supporting

Genomic Medicine Center of Excellence, King Faisal Specialist Hospital and Research Centre
Classification: Uncertain significance for Distal arthrogryposis type 5D. Last evaluated: 2024-03-14. Review status: criteria provided, single submitter. Criteria: ACMG Guidelines, 2015. Collection method: research. Allele origin: germline.

Blueprint Genetics
Classification: Pathogenic for ECEL1-related disorders. Last evaluated: 2020-08-24. Review status: criteria provided, single submitter. Criteria: ACMG Guidelines, 2015. Collection method: clinical testing. Allele origin: germline. Affected: yes. Observed: 2 variant alleles.

GeneDx
Classification: Likely pathogenic. Last evaluated: 2020-05-13. Review status: criteria provided, single submitter. Criteria: GeneDx Variant Classification Process June 2021. Collection method: clinical testing. Allele origin: germline. Affected: yes.
Comment: Not observed at a significant frequency in large population cohorts (Lek et al., 2016); In silico analysis supports that this missense variant has a deleterious effect on protein structure/function; This variant is associated with the following publications: (PMID: 26752647, 23829171, 30131190)

Revvity Omics, Revvity
Classification: Uncertain significance for Distal arthrogryposis type 5D. Last evaluated: 2020-04-01. Review status: criteria provided, single submitter. Criteria: ACMG Guidelines, 2015. Collection method: clinical testing. Allele origin: germline.

Genetic Services Laboratory, University of Chicago
Classification: Pathogenic for Arthrogryposis, distal, type 5D. Last evaluated: 2016-06-01. Review status: criteria provided, single submitter. Criteria: ACMG Guidelines, 2015. Collection method: clinical testing. Allele origin: germline. Affected: yes.

Biochemical Molecular Genetic Laboratory, King Abdulaziz Medical City
Classification: Pathogenic for Distal arthrogryposis type 5D. Last evaluated: 2019-09-26. Review status: no assertion criteria provided. Collection method: clinical testing. Allele origin: germline. Affected: yes. Not counted in ClinVar's aggregate classification.

Lupski Lab, Baylor-Hopkins CMG, Baylor College of Medicine
Classification: Likely pathogenic for Distal arthrogryposis type 5D. Review status: no assertion criteria provided. Collection method: research. Allele origin: inherited. Inheritance: Autosomal recessive inheritance. Affected: yes. Observed: 4 variant alleles, 3 heterozygotes, 1 homozygote. Not counted in ClinVar's aggregate classification.

Genomic Medicine Center of Excellence, King Faisal Specialist Hospital and Research Centre
Classification: Likely pathogenic. Review status: flagged submission. Criteria: ACMG Guidelines, 2015. Collection method: research. Allele origin: germline. Affected: yes. Not counted in ClinVar's aggregate classification.
ClinVar note: Reason: This record appears to be redundant with a more recent record from the same submitter.
ClinVar note: Notes: SCV000221533 appears to be redundant with SCV004801141.

Literature cited by the submitters: PubMed 26752647 (cited by Lupski Lab, Baylor-Hopkins CMG, Baylor College of Medicine).